The following is an entry in ClinVar:

NM_000098.3(CPT2):c.889_890insCG (p.Asp297fs)

Gene: CPT2 (carnitine palmitoyltransferase 2; plus strand). Cytogenetic location: 1p32.3.
Variant type: Insertion.
Coding change: c.889_890insCG on transcript NM_000098.3 (MANE Select); coding-DNA positions 889 to 890, CG inserted.
Protein change: p.Asp297fs; shifts the reading frame from aspartic acid 297.
Molecular consequence: frameshift variant.
Genome position: GRCh38 VCF-style: chr1-53210562-A-AGC. GRCh37 (hg19) VCF-style: chr1-53676234-A-AGC.
Other names: c.889_890insCG, p.Asp297fs (NM_001330589.2); short protein forms D297fs.
Identifiers: ClinVar variation 4817424 (VCV004817424.1).
Genomic context (GRCh38, chr1:53,210,562, plus strand): 5'-TCTCTCAGACAGCAGCCCCGCCCCCGAGTTTCCCCTGGCATACCTGACCAGTGAGAACCG[A>AGC]GACATCTGGGCAGAGCTCAGGCAGAAGCTGATGAGTAGTGGCAATGAGGAGAGCCTGAGG-3'

ClinVar aggregate classification (germline): Likely pathogenic (1 of 4 stars; one submission).

Conditions:
Carnitine palmitoyltransferase II deficiency. Also called: Carnitine Palmitoyltransferase 2 Deficiency. Identifiers: Orphanet 157, MedGen C0342790, MONDO:0015515.

Submission:

Natera, Inc.
Classification: Likely pathogenic for Carnitine palmitoyltransferase II deficiency. Last evaluated: 2025-07-21. Review status: criteria provided, single submitter. Criteria: Natera Variant Classification Schema (03/2026). Collection method: clinical testing. Allele origin: germline.
Comment: The c.889_890insCG variant in CPT2 is a frameshift variant predicted to shift the reading frame beginning at codon 297 and leads to a stop codon 11 codons downstream. This variant is expected to result in nonsense mediated decay, truncation, or a dysfunctional protein product. This variant is rare in the general population with a frequency below the threshold expected for the associated phenotype(s). Given the available evidence, this variant is classified as Likely Pathogenic.